The following continues an entry in ClinVar:

NM_007294.4(BRCA1):c.5309G>T (p.Gly1770Val)

Gene: BRCA1. ClinVar aggregate classification (germline): Pathogenic. Pathogenic (1). ClinVar aggregate classification (somatic clinical impact): Tier III - Unknown.

Submissions 11 to 15 of 15:

Clinical Genetics Laboratory, Department of Pathology, Netherlands Cancer Institute
Classification: Pathogenic. Review status: no assertion criteria provided. Collection method: clinical testing. Allele origin: germline. Affected: yes. Study: VKGL Data-share Consensus. Not counted in ClinVar's aggregate classification.

Department of Pathology and Laboratory Medicine, Sinai Health System
Classification: Likely pathogenic for Malignant tumor of breast. Review status: no assertion criteria provided. Collection method: clinical testing. Allele origin: unknown. Affected: yes. Observed: 1 variant allele. Study: The Canadian Open Genetics Repository (COGR). Not counted in ClinVar's aggregate classification.
Comment: The BRCA1 p.Gly1770Val variant was identified in the literature and in HGMD and UMD (9X as an unclassified variant), and was not reported in the 1000 Genomes and Exome Variant Server databases. Although the p.Gly1770 residue is not conserved in mammals, four out of five computational analyses (PolyPhen-2, SIFT, AlignGVGD, BLOSUM, MutationTaster) suggest that the p.Gly1770Val variant may impact the protein; however, this information is not predictive enough to assume pathogenicity. Functional studies by Bouwman (2013) suggest the variant protein levels are associated with structural instability and classifies the variant as deleterious. Furthermore, the amino acid position is located within the C-terminal region of BRCA1 and dramatically compromises the transcriptional activity of BRCA1. Quiles et al (2013) suggests that this variant has significant functional impact and may be pathogenic. In summary, based on the above information, the clinical significance of this variant cannot be determined with certainty at this time although we would lean towards a more pathogenic role for this variant. This variant is classified as predicted pathogenic.

Faculté Pluridciplinaire Nador, Université Mohamed Premier
Classification: Tier III - Unknown for Familial cancer of breast. Review status: no assertion criteria provided. Collection method: research. Allele origin: somatic. Affected: yes.
Comment: The following databases and algorithms are used to annotate and evaluate the impact of the variant in the context of human disease: 1000 genomes, gnomAD, ClinVar, OMIM, dbSNP, NCIB RefSeq Genes, ExAC Gene Constraints, VS-SIFT, VS-PolyPhen2, PhyloP, GERP++, GeneSplicer, MaxEntScan, NNSplice, PWM Splice Predictor.

Joint Genome Diagnostic Labs from Nijmegen and Maastricht, Radboudumc and MUMC+
Classification: Pathogenic. Review status: no assertion criteria provided. Collection method: clinical testing. Allele origin: germline. Affected: yes. Study: VKGL Data-share Consensus. Not counted in ClinVar's aggregate classification.

Laboratory of Diagnostic Genome Analysis, Leiden University Medical Center (LUMC)
Classification: Pathogenic. Review status: no assertion criteria provided. Collection method: clinical testing. Allele origin: germline. Affected: yes. Study: VKGL Data-share Consensus. Not counted in ClinVar's aggregate classification.

Literature cited by the submitters: PubMed 30105462 (cited by Evidence-based Network for the Interpretation of Germline Mutant Alleles (ENIGMA) and Ambry Genetics); PubMed 23613828 (cited by Labcorp Genetics (formerly Invitae), Labcorp and Ambry Genetics); PubMed 26864382 (cited by Labcorp Genetics (formerly Invitae), Labcorp and Ambry Genetics); PubMed 29339979 (cited by 3 submitters); PubMed 30209399 (cited by 3 submitters); PubMed 23867111 (cited by Labcorp Genetics (formerly Invitae), Labcorp and Ambry Genetics); PubMed 30458859 (cited by Labcorp Genetics (formerly Invitae), Labcorp); PubMed 31368036 (cited by Ambry Genetics).